The following is an entry in ClinVar:

NM_001244008.2(KIF1A):c.865G>C (p.Asp289His)

Gene: KIF1A (kinesin family member 1A; minus strand). Cytogenetic location: 2q37.3.
Variant type: single nucleotide variant.
Coding change: c.865G>C on transcript NM_001244008.2 (MANE Select); coding-DNA position 865, G replaced by C.
Protein change: p.Asp289His; replaces aspartic acid 289 with histidine.
Molecular consequence: missense variant.
Genome position (GRCh38, 1-based): chr2:240,782,607, C>G on the plus strand (G>C on the coding strand, the complement: KIF1A is on the minus strand). VCF-style: chr2-240782607-C-G. GRCh37 (hg19) VCF-style: chr2-241722024-C-G.
Other names: c.865G>C, p.Asp289His (NM_001320705.2, NM_001330289.2, NM_001330290.2 and 20 more transcripts); short protein forms D289H.
Identifiers: ClinVar variation 1058051 (VCV001058051.9), dbSNP rs1162579551, ClinGen allele CA351301641.
Genomic context (GRCh38, chr2:240,782,607, plus strand): 5'-CCAGCCTCCCGCACCTGCCCCGGGGCTGAAGGAAGCCGCTTACCTTGTTGGGTCCGGAGT[C>G]CTGAAAAGGAAAAGACAGAGAGAGGCTGAGGCCCGGAGCGAAGCTGGCGCGGGCTGTGGG-3'
Protein context (NP_001230937.1, residues 279-299): GKVISALAEM[Asp289His]SGPNKNKKKK

ClinVar aggregate classification (germline): Uncertain significance (1 of 4 stars; one submission).

Conditions:
Neuropathy, hereditary sensory, type 2C. Also called: Hereditary sensory and autonomic neuropathy type IIC; KIF1A-Related HSAN2 (HSAN2C). Identifiers: Orphanet 970, MedGen C3280168, MONDO:0013634, OMIM 614213.
Intellectual disability, autosomal dominant 9 (NESCAVS). Also called: KIF1A-Related Neurodevelopmental Disorder; NESCAV SYNDROME. Identifiers: Orphanet 662367, MedGen C5393830, MONDO:0013656, OMIM 614255.
Hereditary spastic paraplegia 30. Identifiers: Orphanet 101010, MedGen C5235139, MONDO:0012476.

Allele frequency attached by ClinVar (database versions not stated): gnomAD exomes below 0.00001; TOPMed below 0.00001; gnomAD 0.00001.
gnomAD v4.1: 3 of 1,552,272 alleles (0.00019%); highest among the groups gnomAD compares: Non-Finnish European, 0.000087%; no homozygotes.

Submission:

Labcorp Genetics (formerly Invitae), Labcorp
Classification: Uncertain significance for Hereditary spastic paraplegia 30; Neuropathy, hereditary sensory, type 2C; Intellectual disability, autosomal dominant 9. Last evaluated: 2023-03-26. Review status: criteria provided, single submitter. Criteria: Invitae Variant Classification Sherloc (09022015). Collection method: clinical testing. Allele origin: germline.
Comment: An algorithm developed to predict the effect of missense changes on protein structure and function (PolyPhen-2) suggests that this variant is likely to be disruptive. ClinVar contains an entry for this variant (Variation ID: 1058051). This variant has not been reported in the literature in individuals affected with KIF1A-related conditions. The frequency data for this variant in the population databases is considered unreliable, as metrics indicate poor data quality at this position in the gnomAD database. This sequence change replaces aspartic acid, which is acidic and polar, with histidine, which is basic and polar, at codon 289 of the KIF1A protein (p.Asp289His). In summary, the available evidence is currently insufficient to determine the role of this variant in disease. Therefore, it has been classified as a Variant of Uncertain Significance.